The following is an entry in ClinVar:

NC_000010.10:g.(?_134598420)_(135373622_?)del

Genes: LINC01166 (long intergenic non-protein coding RNA 1166; minus strand), MTG1 (mitochondrial ribosome associated GTPase 1; plus strand), NKX6-2 (NK6 homeobox 2; minus strand), VENTX (VENT homeobox; plus strand), SPRN (shadow of prion protein; minus strand) and 14 more. Cytogenetic location: 10q26.3.
Variant type: Deletion.
Identifiers: ClinVar variation 1458937 (VCV001458937.1).

ClinVar aggregate classification (germline): Pathogenic (1 of 4 stars; one submission).

Submission:

Labcorp Genetics (formerly Invitae), Labcorp
Classification: Pathogenic. Last evaluated: 2021-12-13. Review status: criteria provided, single submitter. Criteria: Invitae Variant Classification Sherloc (09022015). Collection method: clinical testing. Allele origin: germline.
Comment: A gross deletion of the genomic region encompassing the full coding sequence of the ECHS1 gene has been identified. Loss-of-function variants in ECHS1 are known to be pathogenic (PMID: 25393721, 26000322, 27090768). The boundaries of this event are unknown as they extend beyond the assayed region for this gene and therefore may encompass additional genes. Isolated whole-gene deletions of ECHS1 have not been reported in the literature. However, larger copy number events that include this gene have been reported (PMID: 30029642). For these reasons, this variant has been classified as Pathogenic.

Literature cited by the submitters: PubMed 25393721; PubMed 26000322; PubMed 27090768; PubMed 30029642.